The following is an entry in ClinVar:

NM_152424.4(AMER1):c.1895A>G (p.Glu632Gly)

Gene: AMER1 (APC membrane recruitment protein 1; minus strand). Cytogenetic location: Xq11.2.
Variant type: single nucleotide variant.
Coding change: c.1895A>G on transcript NM_152424.4 (MANE Select); coding-DNA position 1895, A replaced by G.
Protein change: p.Glu632Gly; replaces glutamic acid 632 with glycine.
Molecular consequence: missense variant.
Genome position (GRCh38, 1-based): chrX:64,191,392, T>C on the plus strand (A>G on the coding strand, the complement: AMER1 is on the minus strand). VCF-style: chrX-64191392-T-C. GRCh37 (hg19) VCF-style: chrX-63411272-T-C.
Other names: short protein forms E632G.
Identifiers: ClinVar variation 3776365 (VCV003776365.1).

ClinVar aggregate classification (germline): Uncertain significance (1 of 4 stars; one submission).

gnomAD v4.1: 1 of 1,209,996 alleles (0.000083%); highest among the groups gnomAD compares: Non-Finnish European, 0.00011%; no homozygotes.

Submission:

GeneDx
Classification: Uncertain significance. Last evaluated: 2024-10-02. Review status: criteria provided, single submitter. Criteria: GeneDx Variant Classification Process June 2021. Collection method: clinical testing. Allele origin: germline. Affected: yes.
Comment: Not observed at significant frequency in large population cohorts (gnomAD); In silico analysis supports that this missense variant does not alter protein structure/function; Has not been previously published as pathogenic or benign to our knowledge